The following is an entry in ClinVar:

NM_017617.5(NOTCH1):c.534T>C (p.Asp178=)

Gene: NOTCH1 (notch receptor 1; minus strand). Cytogenetic location: 9q34.3.
Variant type: single nucleotide variant.
Coding change: c.534T>C on transcript NM_017617.5 (MANE Select); coding-DNA position 534, T replaced by C.
Protein change: p.Asp178=; no amino-acid change (aspartic acid 178 retained).
Molecular consequence: synonymous variant.
Genome position (GRCh38, 1-based): chr9:136,523,058, A>G on the plus strand (T>C on the coding strand, the complement: NOTCH1 is on the minus strand). VCF-style: chr9-136523058-A-G. GRCh37 (hg19) VCF-style: chr9-139417510-A-G.
Other names: c.534T>C, p.Asp178= (LRG_1122t1).
Identifiers: ClinVar variation 512995 (VCV000512995.1), dbSNP rs1554730656, ClinGen allele CA467834003.

ClinVar aggregate classification (germline): Likely benign (1 of 4 stars; one submission).

Submission:

GeneDx
Classification: Likely benign. Last evaluated: 2017-11-09. Review status: criteria provided, single submitter. Criteria: GeneDx Variant Classification (06012015). Collection method: clinical testing. Allele origin: germline. Affected: yes.
Comment: This variant is considered likely benign or benign based on one or more of the following criteria: it is a conservative change, it occurs at a poorly conserved position in the protein, it is predicted to be benign by multiple in silico algorithms, and/or has population frequency not consistent with disease.